The following is an entry in ClinVar:

NM_001283009.2(RTEL1):c.1030C>G (p.Pro344Ala)

Genes: RTEL1 (regulator of telomere elongation helicase 1; plus strand), RTEL1-TNFRSF6B (RTEL1-TNFRSF6B readthrough (NMD candidate); plus strand). Cytogenetic location: 20q13.33.
Variant type: single nucleotide variant.
Coding change: c.1030C>G on transcript NM_001283009.2 (MANE Select); coding-DNA position 1030, C replaced by G.
Protein change: p.Pro344Ala; replaces proline 344 with alanine.
Molecular consequence: missense variant. On other transcripts: non-coding transcript variant (1).
Genome position (GRCh38, 1-based): chr20:63,678,339, C>G. VCF-style: chr20-63678339-C-G. GRCh37 (hg19) VCF-style: chr20-62309692-C-G.
Other names: c.361C>G, p.Pro121Ala (NM_001283010.1); c.1030C>G, p.Pro344Ala (NM_016434.4); c.1102C>G, p.Pro368Ala (NM_032957.5); short protein forms P121A, P344A, P368A.
Identifiers: ClinVar variation 2924789 (VCV002924789.4), dbSNP rs147789792, ClinGen allele CA9964564.
Genomic context (GRCh38, chr20:63,678,339, plus strand): 5'-CGCCTGGAGGGGGCCATCGATGCTGTTGAGCTGCCTGGAGACGACAGCGGTGTCACCAAG[C>G]CAGGGAGGTGAGAGGCGGGGAGCCAGCCCCTTCACTGCAGGCCCAGCCTAGAGCTAGAAA-3'
Protein context (NP_001269938.1, residues 334-354): LPGDDSGVTK[Pro344Ala]GSYIFELFAE

ClinVar aggregate classification (germline): Uncertain significance. Review status: criteria provided, multiple submitters, no conflicts (2 of 4 stars). 2 submissions from 2 submitters: Uncertain significance (2). Last evaluated 2025-05-07.

Conditions:
Inborn genetic diseases. Identifiers: MedGen C0950123, MeSH D030342.
Dyskeratosis congenita, autosomal recessive 5 (DKCB5). Identifiers: MedGen C3554656, MONDO:0014076, OMIM 615190.
Pulmonary fibrosis and/or bone marrow failure, Telomere-related, 3. Also called: PULMONARY FIBROSIS AND/OR BONE MARROW FAILURE SYNDROME, TELOMERE-RELATED, 3. Identifiers: Orphanet 2032, MedGen C4225346, MONDO:0014613, OMIM 616373.

Allele frequency attached by ClinVar (database versions not stated): gnomAD 0.00001.
gnomAD v4.1: 7 of 1,611,794 alleles (0.00043%); highest among the groups gnomAD compares: Admixed American, 0.0083%; no homozygotes.

Submissions (2):

Ambry Genetics
Classification: Uncertain significance for Inborn genetic diseases. Last evaluated: 2025-05-07. Review status: criteria provided, single submitter. Criteria: Ambry Variant Classification Scheme 2023. Collection method: clinical testing. Allele origin: germline.
Comment: The p.P344A variant (also known as c.1030C>G), located in coding exon 11 of the RTEL1 gene, results from a C to G substitution at nucleotide position 1030. The proline at codon 344 is replaced by alanine, an amino acid with highly similar properties. This amino acid position is conserved. In addition, the in silico prediction for this alteration is inconclusive. Based on the available evidence, the clinical significance of this variant remains unclear.

Labcorp Genetics (formerly Invitae), Labcorp
Classification: Uncertain significance for Dyskeratosis congenita, autosomal recessive 5; Pulmonary fibrosis and/or bone marrow failure, Telomere-related, 3. Last evaluated: 2023-12-02. Review status: criteria provided, single submitter. Criteria: Invitae Variant Classification Sherloc (09022015). Collection method: clinical testing. Allele origin: germline.
Comment: This sequence change replaces proline, which is neutral and non-polar, with alanine, which is neutral and non-polar, at codon 344 of the RTEL1 protein (p.Pro344Ala). This variant is present in population databases (rs147789792, gnomAD 0.009%). This variant has not been reported in the literature in individuals affected with RTEL1-related conditions. An algorithm developed to predict the effect of missense changes on protein structure and function (PolyPhen-2) suggests that this variant is likely to be disruptive. In summary, the available evidence is currently insufficient to determine the role of this variant in disease. Therefore, it has been classified as a Variant of Uncertain Significance.